The following is an entry in ClinVar:

ClinVar aggregate classification (germline): Likely benign (1 of 4 stars; one submission).

Submission:

Mayo Clinic Laboratories, Mayo Clinic
Classification: Likely benign. Last evaluated: 2024-09-30. Review status: criteria provided, single submitter. Criteria: ACMG Guidelines, 2015. Collection method: clinical testing. Allele origin: germline. Observed: 1 variant allele.
Comment: PM2_supporting

NM_000147.5(FUCA1):c.525-25T>G

Gene: FUCA1 (alpha-L-fucosidase 1; minus strand). Cytogenetic location: 1p36.11.
Variant type: single nucleotide variant.
Coding change: c.525-25T>G on transcript NM_000147.5 (MANE Select); 25 bases into the intron before coding-DNA position 525, T replaced by G.
Molecular consequence: intron variant.
Genome position (GRCh38, 1-based): chr1:23,863,296, A>C on the plus strand (T>G on the coding strand, the complement: FUCA1 is on the minus strand). VCF-style: chr1-23863296-A-C. GRCh37 (hg19) VCF-style: chr1-24189786-A-C.
Other names: p.?.
Identifiers: ClinVar variation 4684758 (VCV004684758.1).
Genomic context (GRCh38, chr1:23,863,296, plus strand): 5'-TCTAAGAGTGAGTGGTATAGTCCATAGCGGATGTTCCTTAAACAGAAAAACAGAACAGCA[A>C]CTGTCATTAAGCATAGAACAAATAATTTATTTTAAGGAAAATCAGTTCTAGCATTTTTTC-3'